The following is an entry in ClinVar:

NM_000548.5(TSC2):c.4272C>G (p.Asp1424Glu)

Gene: TSC2 (TSC complex subunit 2; plus strand). Cytogenetic location: 16p13.3.
Variant type: single nucleotide variant.
Coding change: c.4272C>G on transcript NM_000548.5 (MANE Select); coding-DNA position 4272, C replaced by G.
Protein change: p.Asp1424Glu; replaces aspartic acid 1424 with glutamic acid.
Molecular consequence: missense variant.
Genome position (GRCh38, 1-based): chr16:2,084,494, C>G. VCF-style: chr16-2084494-C-G. GRCh37 (hg19) VCF-style: chr16-2134495-C-G.
Other names: c.4272C>G (NM_000548.3); c.4071C>G, p.Asp1357Glu (NM_001077183.3); c.4203C>G, p.Asp1401Glu (NM_001114382.3); c.3963C>G, p.Asp1321Glu (NM_001318827.2); c.3927C>G, p.Asp1309Glu (NM_001318829.2); c.3540C>G, p.Asp1180Glu (NM_001318831.2); c.4104C>G, p.Asp1368Glu (NM_001318832.2); c.4074C>G, p.Asp1358Glu (NM_001363528.2); and 2 more; short protein forms D1180E, D1357E, D1358E, D1309E, D1321E, D1368E, D1424E, D1380E.
Identifiers: ClinVar variation 1403917 (VCV001403917.7), dbSNP rs371541319, ClinGen allele CA394300706.
Genomic context (GRCh38, chr16:2,084,494, plus strand): 5'-GGCCGACGTGGGCCGGCTGAGCCCTGAGGTTAAGGCCCGGTCACAGTCAGGGACCCTGGA[C>G]GGGGAAAGTGCTGCCTGGTCGGCCTCGGGCGAAGACAGTCGGGGCCAGCCCGAGGGTCCC-3'
Protein context (NP_000539.2, residues 1414-1434): VKARSQSGTL[Asp1424Glu]GESAAWSASG

ClinVar aggregate classification (germline): Uncertain significance. Review status: criteria provided, multiple submitters, no conflicts (2 of 4 stars). 2 submissions from 2 submitters: Uncertain significance (2). Last evaluated 2025-09-21.

Conditions:
Tuberous sclerosis 2 (TSC2). Identifiers: Orphanet 805, MedGen C1860707, MONDO:0013199, OMIM 613254.
Hereditary cancer-predisposing syndrome. Also called: Neoplastic Syndromes, Hereditary; Hereditary neoplastic syndrome; Hereditary Cancer Syndrome; Tumor predisposition. Identifiers: Orphanet 140162, MedGen C0027672, MeSH D009386, MONDO:0015356.

gnomAD v4.1: 1 of 1,608,954 alleles (0.000062%); highest among the groups gnomAD compares: African/African-American, 0.0013%; no homozygotes.

Submissions (2):

Labcorp Genetics (formerly Invitae), Labcorp
Classification: Uncertain significance for Tuberous sclerosis 2. Last evaluated: 2025-09-21. Review status: criteria provided, single submitter. Criteria: Invitae Variant Classification Sherloc (09022015). Collection method: clinical testing. Allele origin: germline.
Comment: This sequence change replaces aspartic acid, which is acidic and polar, with glutamic acid, which is acidic and polar, at codon 1424 of the TSC2 protein (p.Asp1424Glu). This variant is not present in population databases (gnomAD no frequency). This variant has not been reported in the literature in individuals affected with TSC2-related conditions. ClinVar contains an entry for this variant (Variation ID: 1403917). Invitae Evidence Modeling of protein sequence and biophysical properties (such as structural, functional, and spatial information, amino acid conservation, physicochemical variation, residue mobility, and thermodynamic stability) indicates that this missense variant is not expected to disrupt TSC2 protein function with a negative predictive value of 95%. In summary, the available evidence is currently insufficient to determine the role of this variant in disease. Therefore, it has been classified as a Variant of Uncertain Significance.

Ambry Genetics
Classification: Uncertain significance for Hereditary cancer-predisposing syndrome. Last evaluated: 2025-06-29. Review status: criteria provided, single submitter. Criteria: Ambry Variant Classification Scheme 2023. Collection method: clinical testing. Allele origin: germline.
Comment: The p.D1424E variant (also known as c.4272C>G), located in coding exon 33 of the TSC2 gene, results from a C to G substitution at nucleotide position 4272. The aspartic acid at codon 1424 is replaced by glutamic acid, an amino acid with highly similar properties. This amino acid position is conserved. In addition, the in silico prediction for this alteration is inconclusive. Based on the available evidence, the clinical significance of this variant remains unclear.